The following is an entry in ClinVar:

ClinVar aggregate classification (germline): Uncertain significance. Review status: criteria provided, multiple submitters, no conflicts (2 of 4 stars). 3 submissions from 3 submitters: Uncertain significance (3). Last evaluated 2025-09-23.

Conditions:
Hereditary cancer-predisposing syndrome. Also called: Hereditary Cancer Syndrome; Hereditary neoplastic syndrome; Neoplastic Syndromes, Hereditary; Tumor predisposition. Identifiers: Orphanet 140162, MedGen C0027672, MeSH D009386, MONDO:0015356.
Ataxia-telangiectasia syndrome (AT). Also called: Ataxia-telangiectasia, complementation group E; LOUIS-BAR SYNDROME; Cerebello-oculocutaneous telangiectasia; Immunodeficiency with ataxia telangiectasia; Ataxia-telangiectasia, complementation group D; AT, COMPLEMENTATION GROUP C. Identifiers: Orphanet 100, MedGen C0004135, MONDO:0008840, OMIM 208900.

Submissions (3):

Ambry Genetics
Classification: Uncertain significance for Hereditary cancer-predisposing syndrome. Last evaluated: 2025-09-23. Review status: criteria provided, single submitter. Criteria: Ambry Variant Classification Scheme 2023. Collection method: clinical testing. Allele origin: germline.
Comment: The p.L1826I variant (also known as c.5476T>A), located in coding exon 35 of the ATM gene, results from a T to A substitution at nucleotide position 5476. The leucine at codon 1826 is replaced by isoleucine, an amino acid with highly similar properties. This amino acid position is conserved. In addition, this alteration is predicted to be tolerated by in silico analysis. Based on the available evidence, the clinical significance of this variant remains unclear.

Color Diagnostics, LLC DBA Color Health
Classification: Uncertain significance for Hereditary cancer-predisposing syndrome. Last evaluated: 2023-12-04. Review status: criteria provided, single submitter. Criteria: ACMG Guidelines, 2015. Collection method: clinical testing. Allele origin: germline.
Comment: This missense variant replaces leucine with isoleucine at codon 1826 of the ATM protein. Computational prediction suggests that this variant may not impact protein structure and function (internally defined REVEL score threshold <= 0.5, PMID: 27666373). To our knowledge, functional studies have not been reported for this variant. This variant has not been reported in individuals affected with ATM-related disorders in the literature. This variant has not been identified in the general population by the Genome Aggregation Database (gnomAD). The available evidence is insufficient to determine the role of this variant in disease conclusively. Therefore, this variant is classified as a Variant of Uncertain Significance.

Labcorp Genetics (formerly Invitae), Labcorp
Classification: Uncertain significance for Ataxia-telangiectasia syndrome. Last evaluated: 2023-08-30. Review status: criteria provided, single submitter. Criteria: Invitae Variant Classification Sherloc (09022015). Collection method: clinical testing. Allele origin: germline.
Comment: In summary, the available evidence is currently insufficient to determine the role of this variant in disease. Therefore, it has been classified as a Variant of Uncertain Significance. An algorithm developed to predict the effect of missense changes on protein structure and function (PolyPhen-2) suggests that this variant is likely to be tolerated. ClinVar contains an entry for this variant (Variation ID: 921792). This variant has not been reported in the literature in individuals affected with ATM-related conditions. This variant is not present in population databases (gnomAD no frequency). This sequence change replaces leucine, which is neutral and non-polar, with isoleucine, which is neutral and non-polar, at codon 1826 of the ATM protein (p.Leu1826Ile).

NM_000051.4(ATM):c.5476T>A (p.Leu1826Ile)

Gene: ATM (ATM serine/threonine kinase; plus strand). Cytogenetic location: 11q22.3.
Variant type: single nucleotide variant.
Coding change: c.5476T>A on transcript NM_000051.4 (MANE Select); coding-DNA position 5476, T replaced by A.
Protein change: p.Leu1826Ile; replaces leucine 1826 with isoleucine.
Molecular consequence: missense variant.
Genome position (GRCh38, 1-based): chr11:108,303,009, T>A. VCF-style: chr11-108303009-T-A. GRCh37 (hg19) VCF-style: chr11-108173736-T-A.
Other names: c.5476T>A, p.Leu1826Ile (NM_001351834.2); short protein forms L1826I.
Identifiers: ClinVar variation 921792 (VCV000921792.9), dbSNP rs1555106563, ClinGen allele CA382544425.
Genomic context (GRCh38, chr11:108,303,009, plus strand): 5'-ATAAAGACACTGACTTGTGCTTTTTTGGACAGTGGAGGCACAAAATGTGAAATTCTTCAA[T>A]TATTAAAGCCAATGTGTGAAGTAAGAAGATTAATTAGTCTGATATAATTCCTTGTTTATG-3'
Protein context (NP_000042.3, residues 1816-1836): SGGTKCEILQ[Leu1826Ile]LKPMCEVKTD